The following is an entry in ClinVar:

ClinVar aggregate classification (germline): Benign/Likely benign. Review status: criteria provided, multiple submitters, no conflicts (2 of 4 stars). 7 submissions from 7 submitters: Benign (2); Likely benign (4). 1 of the submissions does not count toward it. Last evaluated 2026-01-13.

Conditions:
Basal cell nevus syndrome 1 (BCNS1). Also called: GORLIN-GOLTZ SYNDROME; MULTIPLE BASAL CELL NEVI, ODONTOGENIC KERATOCYSTS, AND SKELETAL ANOMALIES. Identifiers: MedGen CN376810, MONDO:0958174, OMIM 109400.
Hereditary cancer-predisposing syndrome. Also called: Neoplastic Syndromes, Hereditary; Hereditary Cancer Syndrome; Tumor predisposition; Hereditary neoplastic syndrome. Identifiers: Orphanet 140162, MedGen C0027672, MeSH D009386, MONDO:0015356.
Gorlin syndrome. Also called: Nevoid Basal Cell Carcinoma Syndrome; Basal cell nevus syndrome. Identifiers: Orphanet 377, MedGen C0004779, MONDO:0007187.
PTCH1-related disorder. Also called: PTCH1-related disorders; PTCH1-related condition.

Allele frequency attached by ClinVar (database versions not stated): 1000 Genomes Project 30x 0.00031; ExAC 0.00048; gnomAD 0.00003 and 0.00007; TOPMed 0.00004; gnomAD exomes 0.00013 and 0.00023; 1000 Genomes Project 0.00020.
gnomAD v4.1: 191 of 1,584,884 alleles (0.012%); highest among the groups gnomAD compares: South Asian, 0.14%; 2 homozygotes.

Submissions (7):

Labcorp Genetics (formerly Invitae), Labcorp
Classification: Likely benign for Gorlin syndrome. Last evaluated: 2026-01-13. Review status: criteria provided, single submitter. Criteria: Invitae Variant Classification Sherloc (09022015). Collection method: clinical testing. Allele origin: germline.

CeGaT Center for Human Genetics Tuebingen
Classification: Likely benign. Last evaluated: 2025-12-01. Review status: criteria provided, single submitter. Criteria: CeGaT Center For Human Genetics Tuebingen Variant Classification Criteria Version 2. Collection method: clinical testing. Allele origin: germline. Affected: yes. Observed: 3 variant alleles.
Comment: PTCH1: BP4, BS1

KCCC/NGS Laboratory, Kuwait Cancer Control Center
Classification: Benign for Basal cell nevus syndrome 1. Last evaluated: 2025-02-01. Review status: criteria provided, single submitter. Criteria: ACMG Guidelines, 2015. Collection method: clinical testing. Allele origin: germline. Affected: no.

Quest Diagnostics Nichols Institute San Juan Capistrano
Classification: Benign. Last evaluated: 2022-10-18. Review status: criteria provided, single submitter. Criteria: Quest Diagnostics criteria. Collection method: clinical testing. Allele origin: unknown.

Ambry Genetics
Classification: Likely benign for Hereditary cancer-predisposing syndrome. Last evaluated: 2018-07-22. Review status: criteria provided, single submitter. Criteria: Ambry Variant Classification Scheme 2023. Collection method: clinical testing. Allele origin: germline.

CSER _CC_NCGL, University of Washington
Classification: Likely benign for Basal cell nevus syndrome. Last evaluated: 2016-10-01. Review status: criteria provided, single submitter. Criteria: Amendola et al. (Genome Res. 2015). Collection method: research. Allele origin: germline. Affected: yes. Study: CSER - NEXT Medicine variant annotation.
Comment: This interpretation considers GERP score and allele frequency data, in addition to published reports of the variant in the literature, available at the time of review.

PreventionGenetics, part of Exact Sciences
Classification: Likely benign for PTCH1-related condition. Last evaluated: 2022-08-18. Review status: no assertion criteria provided. Collection method: clinical testing. Allele origin: germline. Not counted in ClinVar's aggregate classification.
Comment: This variant is classified as likely benign based on ACMG/AMP sequence variant interpretation guidelines (Richards et al. 2015 PMID: 25741868, with internal and published modifications).

NM_000264.5(PTCH1):c.3634G>A (p.Gly1212Ser)

Gene: PTCH1 (patched 1; minus strand). Cytogenetic location: 9q22.32.
Variant type: single nucleotide variant.
Coding change: c.3634G>A on transcript NM_000264.5 (MANE Select); coding-DNA position 3634, G replaced by A.
Protein change: p.Gly1212Ser; replaces glycine 1212 with serine.
Molecular consequence: missense variant. On other transcripts: non-coding transcript variant (1).
Genome position (GRCh38, 1-based): chr9:95,449,239, C>T on the plus strand (G>A on the coding strand, the complement: PTCH1 is on the minus strand). VCF-style: chr9-95449239-C-T. GRCh37 (hg19) VCF-style: chr9-98211521-C-T.
Other names: c.3436G>A, p.Gly1146Ser (NM_001083602.3); c.3631G>A, p.Gly1211Ser (NM_001083603.3); c.3181G>A, p.Gly1061Ser (NM_001083604.3, NM_001083605.3, NM_001083606.3 and 1 more transcripts); c.3478G>A, p.Gly1160Ser (NM_001354918.2); c.3634G>A (NM_000264.4); short protein forms G1146S, G1212S, G1061S, G1160S, G1211S.
Identifiers: ClinVar variation 220207 (VCV000220207.43), dbSNP rs559827048, ClinGen allele CA348787.